The following is an entry in ClinVar:

NC_000003.11:g.(?_47422587)_(47437727_?)dup

Gene: PTPN23 (protein tyrosine phosphatase non-receptor type 23; plus strand). Cytogenetic location: 3p21.31.
Variant type: Duplication.
Identifiers: ClinVar variation 3247017 (VCV003247017.1).

ClinVar aggregate classification (germline): Uncertain significance (1 of 4 stars; one submission).

Submission:

Labcorp Genetics (formerly Invitae), Labcorp
Classification: Uncertain significance. Last evaluated: 2023-05-24. Review status: criteria provided, single submitter. Criteria: Invitae Variant Classification Sherloc (09022015). Collection method: clinical testing. Allele origin: unknown.
Comment: This variant results in a copy number gain of the genomic region encompassing exon(s) 1-2 of the PTPN23 gene. This region includes the initiator codon of the gene. This copy number gain extends beyond the assayed region for this gene and therefore may encompass additional genes. As the precise location of this event is unknown, it may be in tandem or it may be located elsewhere in the genome. This variant has not been reported in the literature in individuals affected with PTPN23-related conditions. In summary, the available evidence is currently insufficient to determine the role of this variant in disease. Therefore, it has been classified as a Variant of Uncertain Significance.